The following is an entry in ClinVar:

NM_001379291.1(BRD4):c.3070C>T (p.Pro1024Ser)

Gene: BRD4 (bromodomain containing 4; minus strand). Cytogenetic location: 19p13.12.
Variant type: single nucleotide variant.
Coding change: c.3070C>T on transcript NM_001379291.1 (MANE Select); coding-DNA position 3070, C replaced by T.
Protein change: p.Pro1024Ser; replaces proline 1024 with serine.
Molecular consequence: missense variant.
Genome position (GRCh38, 1-based): chr19:15,242,999, G>A on the plus strand (C>T on the coding strand, the complement: BRD4 is on the minus strand). VCF-style: chr19-15242999-G-A. GRCh37 (hg19) VCF-style: chr19-15353810-G-A.
Other names: c.3070C>T, p.Pro1024Ser (NM_058243.3); short protein forms P1024S.
Identifiers: ClinVar variation 2081389 (VCV002081389.4), dbSNP rs376995207, ClinGen allele CA9264812.
Genomic context (GRCh38, chr19:15,242,999, plus strand): 5'-GGTGGTGCTGGATGACTTGCTGAGGCTTGGCAGGCTGCGGCGGGGGTGGCTGCTGGCCTG[G>A]GGGCGGATGGGGGGGCTGCTGGCCCTGGGGTGGCGGGGGCTGTTGGATGTGGGTGGAAAA-3'
Protein context (NP_001366220.1, residues 1014-1034): PQGQQPPHPP[Pro1024Ser]GQQPPPPQPA

ClinVar aggregate classification (germline): Uncertain significance (1 of 4 stars; one submission).

Allele frequency attached by ClinVar (database versions not stated): gnomAD 0.00001; gnomAD exomes 0.00001; ExAC 0.00003.
gnomAD v4.1: 44 of 1,553,908 alleles (0.0028%); highest among the groups gnomAD compares: East Asian, 0.019%; 2 homozygotes.

Submission:

Labcorp Genetics (formerly Invitae), Labcorp
Classification: Uncertain significance. Last evaluated: 2025-05-07. Review status: criteria provided, single submitter. Criteria: Invitae Variant Classification Sherloc (09022015). Collection method: clinical testing. Allele origin: germline.
Comment: This sequence change replaces proline, which is neutral and non-polar, with serine, which is neutral and polar, at codon 1024 of the BRD4 protein (p.Pro1024Ser). The frequency data for this variant in the population databases is considered unreliable, as metrics indicate poor data quality at this position in the gnomAD database. This variant has not been reported in the literature in individuals affected with BRD4-related conditions. ClinVar contains an entry for this variant (Variation ID: 2081389). An algorithm developed to predict the effect of missense changes on protein structure and function (PolyPhen-2) suggests that this variant is likely to be disruptive. In summary, the available evidence is currently insufficient to determine the role of this variant in disease. Therefore, it has been classified as a Variant of Uncertain Significance.